The following is an entry in ClinVar:

NM_001365951.3(KIF1B):c.2555T>C (p.Met852Thr)

Gene: KIF1B (kinesin family member 1B; plus strand). Cytogenetic location: 1p36.22.
Variant type: single nucleotide variant.
Coding change: c.2555T>C on transcript NM_001365951.3 (MANE Select); coding-DNA position 2555, T replaced by C.
Protein change: p.Met852Thr; replaces methionine 852 with threonine.
Molecular consequence: missense variant.
Genome position (GRCh38, 1-based): chr1:10,324,775, T>C. VCF-style: chr1-10324775-T-C. GRCh37 (hg19) VCF-style: chr1-10384833-T-C.
Other names: c.2555T>C, p.Met852Thr (NM_001365952.1); c.2417T>C, p.Met806Thr (NM_015074.3); short protein forms M806T, M852T.
Identifiers: ClinVar variation 1790958 (VCV001790958.3), dbSNP rs2521629295, ClinGen allele CA338335431.

ClinVar aggregate classification (germline): Uncertain significance (1 of 4 stars; one submission).

Submission:

Ambry Genetics
Classification: Uncertain significance. Last evaluated: 2025-09-19. Review status: criteria provided, single submitter. Criteria: Ambry Variant Classification Scheme 2023. Collection method: clinical testing. Allele origin: germline.
Comment: The p.M806T variant (also known as c.2417T>C), located in coding exon 23 of the KIF1B gene, results from a T to C substitution at nucleotide position 2417. The methionine at codon 806 is replaced by threonine, an amino acid with similar properties. This amino acid position is conserved. In addition, this alteration is predicted to be deleterious by in silico analysis. Since supporting evidence is limited at this time, the clinical significance of this alteration remains unclear.